The following is an entry in ClinVar:

ClinVar aggregate classification (germline): Pathogenic/Likely pathogenic. Review status: criteria provided, multiple submitters, no conflicts (2 of 4 stars). 4 submissions from 4 submitters: Pathogenic (3); Likely pathogenic (1). Last evaluated 2025-10-09.

Conditions:
NF1-related disorder. Also called: NF1-related condition. Identifiers: MedGen CN379171.
Neurofibromatosis, type 1 (NF1). Also called: Neurofibromatosis, type I; VON RECKLINGHAUSEN DISEASE; Peripheral type neurofibromatosis; NEUROFIBROMATOSIS, TYPE I, SOMATIC. Identifiers: Orphanet 636, MedGen C0027831, MONDO:0018975, OMIM 162200. Disease mechanism: loss of function.

Allele frequency attached by ClinVar (database versions not stated): TOPMed below 0.00001.

Submissions (4):

Labcorp Genetics (formerly Invitae), Labcorp
Classification: Pathogenic for Neurofibromatosis, type 1. Last evaluated: 2025-10-09. Review status: criteria provided, single submitter. Criteria: Invitae Variant Classification Sherloc (09022015). Collection method: clinical testing. Allele origin: germline.
Comment: This sequence change creates a premature translational stop signal (p.Ile1818Thrfs*24) in the NF1 gene. It is expected to result in an absent or disrupted protein product. Loss-of-function variants in NF1 are known to be pathogenic (PMID: 10712197, 23913538). This variant is not present in population databases (gnomAD no frequency). This premature translational stop signal has been observed in individual(s) with neurofibromatosis type 1 (PMID: 9783703). Invitae Evidence Modeling of clinical and family history, age, sex, and reported ancestry of multiple individuals with this NF1 variant has been performed. This variant is expected to be pathogenic with a positive predictive value of at least 99%. This is a validated machine learning model that incorporates the clinical features of 1,785,918 individuals referred to our laboratory for NF1 testing. ClinVar contains an entry for this variant (Variation ID: 636803). For these reasons, this variant has been classified as Pathogenic.

GeneDx
Classification: Pathogenic. Last evaluated: 2022-12-06. Review status: criteria provided, single submitter. Criteria: GeneDx Variant Classification Process June 2021. Collection method: clinical testing. Allele origin: germline. Affected: yes.
Comment: Frameshift variant predicted to result in protein truncation or nonsense mediated decay in a gene for which loss of function is a known mechanism of disease; Not observed at significant frequency in large population cohorts (gnomAD); Published functional study demonstrates a damaging effect: protein truncation as predicted by RT-PCR (Park and Pivnick, 1998); This variant is associated with the following publications: (PMID: 9783703)

Genome-Nilou Lab
Classification: Pathogenic for Neurofibromatosis, type 1. Last evaluated: 2022-03-15. Review status: criteria provided, single submitter. Criteria: ACMG Guidelines, 2015. Collection method: clinical testing. Allele origin: germline. Affected: no.

Blueprint Genetics
Classification: Likely pathogenic for NF1-related disorders. Last evaluated: 2018-09-28. Review status: criteria provided, single submitter. Criteria: ACMG Guidelines, 2015. Collection method: clinical testing. Allele origin: germline. Affected: yes. Observed: 1 variant allele.

Literature cited by the submitters: PubMed 10712197 (cited by Labcorp Genetics (formerly Invitae), Labcorp); PubMed 23913538 (cited by Labcorp Genetics (formerly Invitae), Labcorp); PubMed 9783703 (cited by Labcorp Genetics (formerly Invitae), Labcorp).

NM_001042492.3(NF1):c.5516del (p.Ile1839fs)

Gene: NF1 (neurofibromin 1; plus strand). Cytogenetic location: 17q11.2.
Variant type: Deletion.
Coding change: c.5516del on transcript NM_001042492.3 (MANE Select); coding-DNA position 5516, one base deleted (T; older notation c.5516delT).
Protein change: p.Ile1839fs; shifts the reading frame from isoleucine 1839.
Molecular consequence: frameshift variant.
Genome position (GRCh38, 1-based): chr17:31,327,746, T deleted. VCF-style (leftmost placement, unchanged base first): chr17-31327745-AT-A. GRCh37 (hg19) VCF-style: chr17-29654763-AT-A.
Other names: c.5453delT, p.Ile1818Thrfs (NM_000267.4); short protein forms I1839fs, I1818fs.
Identifiers: ClinVar variation 636803 (VCV000636803.10), dbSNP rs1597832304, ClinGen allele CA915949835.